The following is an entry in ClinVar:

NM_003742.4(ABCB11):c.2609G>T (p.Gly870Val)

Gene: ABCB11 (ATP binding cassette subfamily B member 11; minus strand). Cytogenetic location: 2q31.1.
Variant type: single nucleotide variant.
Coding change: c.2609G>T on transcript NM_003742.4 (MANE Select); coding-DNA position 2609, G replaced by T.
Protein change: p.Gly870Val; replaces glycine 870 with valine.
Molecular consequence: missense variant.
Genome position (GRCh38, 1-based): chr2:168,944,606, C>A on the plus strand (G>T on the coding strand, the complement: ABCB11 is on the minus strand). VCF-style: chr2-168944606-C-A. GRCh37 (hg19) VCF-style: chr2-169801116-C-A.
Other names: NM_003742.4:c.2609G>T; short protein forms G870V.
Identifiers: ClinVar variation 3357742 (VCV003357742.2).

ClinVar aggregate classification (germline): Uncertain significance. Review status: criteria provided, single submitter (1 of 4 stars). 2 submissions from 2 submitters: Uncertain significance (1). 1 of the submissions does not count toward it. Last evaluated 2025-01-24.

Conditions:
Progressive familial intrahepatic cholestasis type 2. Identifiers: Orphanet 79304, MedGen C3489789, MONDO:0011156, OMIM 601847.
ABCB11-related disorder. Also called: ABCB11-related condition.

gnomAD v4.1: 25 of 1,602,900 alleles (0.0016%); highest among the groups gnomAD compares: Admixed American, 0.032%; no homozygotes.

Submissions (2):

Broad Center for Mendelian Genomics, Broad Institute of MIT and Harvard
Classification: Uncertain significance for Progressive familial intrahepatic cholestasis type 2. Last evaluated: 2025-01-24. Review status: criteria provided, single submitter. Criteria: ACMG Guidelines, 2015. Collection method: curation. Allele origin: germline. Inheritance: Autosomal recessive inheritance.
Comment: The p.Gly870Val variant in ABCB11 has been reported in one individual with BSEP deficiency (PMID: 31450232), and has been identified in 0.03% (19/58800) of Latino/Admixed American chromosomes by the Genome Aggregation Database (gnomAD; dbSNP rs201068438). Although this variant has been seen in the general population in a heterozygous state, its frequency is low enough to be consistent with a recessive carrier frequency. Computational prediction tools and conservation analyses suggest that this variant may impact the protein, though this information is not predictive enough to determine pathogenicity. In summary, the clinical significance of the p.Gly870Val variant is uncertain. ACMG/AMP Criteria applied: PP3_moderate (Richards 2015).

PreventionGenetics, part of Exact Sciences
Classification: Uncertain significance for ABCB11-related condition. Last evaluated: 2024-05-31. Review status: no assertion criteria provided. Collection method: clinical testing. Allele origin: germline. Not counted in ClinVar's aggregate classification.
Comment: The ABCB11 c.2609G>T variant is predicted to result in the amino acid substitution p.Gly870Val. This variant was reported in an individual with intrahepatic cholestasis, however a second plausible causative variant was not identified (Table S2, Wang et al. 2020. PubMed ID: 31450232). This variant is reported in 0.0060% of alleles in individuals of Latino descent in gnomAD. At this time, the clinical significance of this variant is uncertain due to the absence of conclusive functional and genetic evidence.